The following is an entry in ClinVar:

ClinVar aggregate classification (germline): Uncertain significance. Review status: criteria provided, multiple submitters, no conflicts (2 of 4 stars). 5 submissions from 5 submitters: Uncertain significance (4). 1 of the submissions does not count toward it. Last evaluated 2026-01-22.

Conditions:
ENPP1-related disorder. Also called: ENPP1-related condition; ENPP1-related disorders.
Inborn genetic diseases. Identifiers: MedGen C0950123, MeSH D030342.
Hypophosphatemic rickets, autosomal recessive, 2 (ARHR2). Identifiers: Orphanet 289176, MedGen C2750078, MONDO:0013219, OMIM 613312.
Arterial calcification, generalized, of infancy, 1 (GACI1). Also called: Idiopathic Infantile Arterial Calcification. Identifiers: Orphanet 51608, MedGen C4551985, MONDO:0008817, OMIM 208000.
Hypopigmentation-punctate palmoplantar keratoderma syndrome. Also called: GUTTATE HYPOPIGMENTATION AND PUNCTATE PALMOPLANTAR KERATODERMA WITH OR WITHOUT ECTOPIC CALCIFICATION; Cole disease. Identifiers: Orphanet 324561, MedGen C3809781, MONDO:0014227, OMIM 615522.
Inherited obesity. Also called: Monogenic Obesity. Identifiers: Orphanet 77828, MedGen C4054476, MONDO:0019182, OMIM 601665.
Type 2 diabetes mellitus. Also called: Type II diabetes mellitus. Identifiers: MedGen C0011860, MeSH D003924, MONDO:0005148, OMIM 125853, HP:0005978.

Allele frequency attached by ClinVar (database versions not stated): ExAC 0.00001; TOPMed 0.00002; gnomAD 0.00004; gnomAD exomes 0.00004.
gnomAD v4.1: 47 of 1,613,896 alleles (0.0029%); highest among the groups gnomAD compares: Admixed American, 0.027%; no homozygotes.

Submissions (5):

Labcorp Genetics (formerly Invitae), Labcorp
Classification: Uncertain significance. Last evaluated: 2026-01-22. Review status: criteria provided, single submitter. Criteria: Invitae Variant Classification Sherloc (09022015). Collection method: clinical testing. Allele origin: germline.
Comment: This sequence change replaces valine, which is neutral and non-polar, with alanine, which is neutral and non-polar, at codon 878 of the ENPP1 protein (p.Val878Ala). This variant is present in population databases (rs754251347, gnomAD 0.03%). This variant has not been reported in the literature in individuals affected with ENPP1-related conditions. ClinVar contains an entry for this variant (Variation ID: 281457). Invitae Evidence Modeling of protein sequence and biophysical properties (such as structural, functional, and spatial information, amino acid conservation, physicochemical variation, residue mobility, and thermodynamic stability) indicates that this missense variant is not expected to disrupt ENPP1 protein function with a negative predictive value of 80%. In summary, the available evidence is currently insufficient to determine the role of this variant in disease. Therefore, it has been classified as a Variant of Uncertain Significance.

Ambry Genetics
Classification: Uncertain significance for Inborn genetic diseases. Last evaluated: 2024-03-07. Review status: criteria provided, single submitter. Criteria: Ambry Variant Classification Scheme 2023. Collection method: clinical testing. Allele origin: germline.

Fulgent Genetics
Classification: Uncertain significance for Type 2 diabetes mellitus; Arterial calcification, generalized, of infancy, 1; Inherited obesity; Hypophosphatemic rickets, autosomal recessive, 2; Hypopigmentation-punctate palmoplantar keratoderma syndrome. Last evaluated: 2024-02-05. Review status: criteria provided, single submitter. Criteria: ACMG Guidelines, 2015. Collection method: clinical testing. Allele origin: germline.

Eurofins Ntd Llc (ga)
Classification: Uncertain significance. Last evaluated: 2015-06-22. Review status: criteria provided, single submitter. Criteria: EGL Classification Definitions 2015. Collection method: clinical testing. Allele origin: germline. Observed: 1 variant allele, 1 heterozygote.

PreventionGenetics, part of Exact Sciences
Classification: Uncertain significance for ENPP1-related condition. Last evaluated: 2024-08-15. Review status: no assertion criteria provided. Collection method: clinical testing. Allele origin: germline. Not counted in ClinVar's aggregate classification.
Comment: The ENPP1 c.2633T>C variant is predicted to result in the amino acid substitution p.Val878Ala. This variant was reported in an individual with X-linked hypophosphatemia and was interpreted as variant of unknown significance (Table S2, Rush et al. 2022. PubMed ID: 34633109). This variant is reported in 0.029% of alleles in individuals of Latino descent in gnomAD. At this time, the clinical significance of this variant is uncertain due to the absence of conclusive functional and genetic evidence.

NM_006208.3(ENPP1):c.2633T>C (p.Val878Ala)

Gene: ENPP1 (ectonucleotide pyrophosphatase/phosphodiesterase 1; plus strand). Cytogenetic location: 6q23.2.
Variant type: single nucleotide variant.
Coding change: c.2633T>C on transcript NM_006208.3 (MANE Select); coding-DNA position 2633, T replaced by C.
Protein change: p.Val878Ala; replaces valine 878 with alanine.
Molecular consequence: missense variant.
Genome position (GRCh38, 1-based): chr6:131,890,366, T>C. VCF-style: chr6-131890366-T-C. GRCh37 (hg19) VCF-style: chr6-132211506-T-C.
Other names: short protein forms V878A.
Identifiers: ClinVar variation 281457 (VCV000281457.19), dbSNP rs754251347, ClinGen allele CA4002599.